The following is an entry in ClinVar:

ClinVar aggregate classification (germline): Likely benign (0 of 4 stars; one submission).

Conditions:
PER3-related disorder. Also called: PER3-related condition.

Allele frequency attached by ClinVar (database versions not stated): 1000 Genomes Project 30x 0.00094; TOPMed 0.00110; 1000 Genomes Project 0.00120; ESP Exome Variant Server 0.00123.
gnomAD v4.1: 2,169 of 1,539,630 alleles (0.14%); highest among the groups gnomAD compares: Non-Finnish European, 0.18%; no homozygotes.

Submission:

PreventionGenetics, part of Exact Sciences
Classification: Likely benign for PER3-related condition. Last evaluated: 2019-10-28. Review status: no assertion criteria provided. Collection method: clinical testing. Allele origin: germline.
Comment: This variant is classified as likely benign based on ACMG/AMP sequence variant interpretation guidelines (Richards et al. 2015 PMID: 25741868, with internal and published modifications).

NM_001377275.1(PER3):c.52G>T (p.Ala18Ser)

Gene: PER3 (period circadian regulator 3; plus strand). Cytogenetic location: 1p36.23.
Variant type: single nucleotide variant.
Coding change: c.52G>T on transcript NM_001377275.1 (MANE Select); coding-DNA position 52, G replaced by T.
Protein change: p.Ala18Ser; replaces alanine 18 with serine.
Molecular consequence: missense variant. On other transcripts: 5 prime UTR variant (1).
Genome position (GRCh38, 1-based): chr1:7,784,929, G>T. VCF-style: chr1-7784929-G-T. GRCh37 (hg19) VCF-style: chr1-7844989-G-T.
Other names: c.52G>T, p.Ala18Ser (NM_001289861.2, NM_001289862.2, NM_001289863.3 and 2 more transcripts); c.-967G>T (NM_001289864.3); short protein forms A18S.
Identifiers: ClinVar variation 3041411 (VCV003041411.2), dbSNP rs41278956, ClinGen allele CA567542.